The following is an entry in ClinVar:

NM_001365276.2(TNXB):c.679C>T (p.Arg227Cys)

Gene: TNXB (tenascin XB; minus strand). Cytogenetic location: 6p21.33.
Variant type: single nucleotide variant.
Coding change: c.679C>T on transcript NM_001365276.2 (MANE Select); coding-DNA position 679, C replaced by T.
Protein change: p.Arg227Cys; replaces arginine 227 with cysteine.
Molecular consequence: missense variant.
Genome position (GRCh38, 1-based): chr6:32,097,174, G>A on the plus strand (C>T on the coding strand, the complement: TNXB is on the minus strand). VCF-style: chr6-32097174-G-A. GRCh37 (hg19) VCF-style: chr6-32064951-G-A.
Other names: c.679C>T, p.Arg227Cys (NM_019105.8); short protein forms R227C.
Identifiers: ClinVar variation 1755488 (VCV001755488.2), dbSNP rs761304114, ClinGen allele CA3735810.

ClinVar aggregate classification (germline): Uncertain significance (1 of 4 stars; one submission).

Conditions:
Cardiovascular phenotype. Identifiers: MedGen CN230736.

Allele frequency attached by ClinVar (database versions not stated): ExAC 0.00003.

Submission:

Ambry Genetics
Classification: Uncertain significance for Cardiovascular phenotype. Last evaluated: 2022-05-20. Review status: criteria provided, single submitter. Criteria: Ambry Variant Classification Scheme 2023. Collection method: clinical testing. Allele origin: germline.
Comment: The p.R227C variant (also known as c.679C>T), located in coding exon 2 of the TNXB gene, results from a C to T substitution at nucleotide position 679. The arginine at codon 227 is replaced by cysteine, an amino acid with highly dissimilar properties. This amino acid position is conserved. In addition, this alteration is predicted to be tolerated by in silico analysis. Since supporting evidence is limited at this time, the clinical significance of this alteration remains unclear.